The following is an entry in ClinVar:

NM_001323289.2(CDKL5):c.2847G>A (p.Met949Ile)

Gene: CDKL5 (cyclin dependent kinase like 5; plus strand). Cytogenetic location: Xp22.13.
Variant type: single nucleotide variant.
Coding change: c.2847G>A on transcript NM_001323289.2 (MANE Select); coding-DNA position 2847, G replaced by A.
Protein change: p.Met949Ile; replaces methionine 949 with isoleucine.
Molecular consequence: missense variant. On other transcripts: intron variant (2).
Genome position (GRCh38, 1-based): chrX:18,628,721, G>A. VCF-style: chrX-18628721-G-A. GRCh37 (hg19) VCF-style: chrX-18646841-G-A.
Other names: c.2713+134G>A (NM_003159.3, NM_001037343.2); short protein forms M949I.
Identifiers: ClinVar variation 2636030 (VCV002636030.1), dbSNP rs1927149441, ClinGen allele CA412369196.
Genomic context (GRCh38, chrX:18,628,721, plus strand): 5'-GCTGGGTGCCAAAAGTGGGCCAAATGGGCACCCCTATAACAGAACAAATCGCTCACGAAT[G>A]CCAAATCTGAATGATTTAAAAGAGACAGCCTTGTAATTTGTGCTGGTAGGGGGGAGGGGT-3'
Protein context (NP_001310218.1, residues 939-959): HPYNRTNRSR[Met949Ile]PNLNDLKETA

ClinVar aggregate classification (germline): Uncertain significance (1 of 4 stars; one submission).

Conditions:
CDKL5-related disorder.

Allele frequency attached by ClinVar (database versions not stated): TOPMed below 0.00001.
gnomAD v4.1: 2 of 997,574 alleles (0.0002%); no homozygotes.

Submission:

PreventionGenetics, part of Exact Sciences
Classification: Uncertain significance for CDKL5-related condition. Last evaluated: 2023-02-17. Review status: criteria provided, single submitter. Criteria: ACMG Guidelines, 2015. Collection method: clinical testing. Allele origin: germline.
Comment: The CDKL5 c.2847G>A variant is predicted to result in the amino acid substitution p.Met949Ile. To our knowledge, this variant has not been reported in the literature or in a large population database, indicating this variant is rare. At this time, the clinical significance of this variant is uncertain due to the absence of conclusive functional and genetic evidence.